The following is an entry in ClinVar:

NM_022455.5(NSD1):c.4379-12_4387del

Gene: NSD1 (nuclear receptor binding SET domain protein 1; plus strand). Cytogenetic location: 5q35.3.
Variant type: Deletion.
Coding change: c.4379-12_4387del on transcript NM_022455.5 (MANE Select); 12 bases into the intron before coding-DNA position 4379 through coding-DNA position 4387, 21 bases deleted (TTCCTGTCATAGGCACTACCA).
Molecular consequence: splice acceptor variant.
Genome position (GRCh38, 1-based): chr5:177,246,666-177,246,686, TTCCTGTCATAGGCACTACCA deleted. VCF-style (leftmost placement, unchanged base first): chr5-177246665-TTTCCTGTCATAGGCACTACCA-T. GRCh37 (hg19) VCF-style: chr5-176673666-TTTCCTGTCATAGGCACTACCA-T.
Other names: c.4379-12_4387del (NM_001409301.1, NM_001409302.1, NM_001409303.1); c.3959-12_3967del (NM_001409304.1); c.3626-12_3634del (NM_001409305.1); c.3506-12_3514del (NM_001409306.1, NM_001409308.1, NM_001409307.1 and 3 more transcripts).
Identifiers: ClinVar variation 4292121 (VCV004292121.1).

ClinVar aggregate classification (germline): Likely pathogenic (1 of 4 stars; one submission).

Conditions:
Sotos syndrome (SOTOS). Also called: CEREBRAL GIGANTISM; Sotos' syndrome; Distinctive facial appearance, overgrowth in childhood, and learning disabilities or delayed development; SOTOS SYNDROME 1; CHROMOSOME 5q35 DELETION SYNDROME. Identifiers: Orphanet 821, MedGen C0175695, MONDO:0019349, OMIM 117550.

Submission:

3billion
Classification: Likely pathogenic for Sotos syndrome. Last evaluated: 2025-02-15. Review status: criteria provided, single submitter. Criteria: ACMG Guidelines, 2015. Collection method: clinical testing. Allele origin: germline. Affected: yes.
Comment: The variant is not observed in the gnomAD v4.1.0 dataset. Predicted Consequence/Location: Canonical splice site: predicted to alter splicing and result in a loss or disruption of normal protein function. Multiple pathogenic loss-of-function variants are reported downstream of the variant. In silico tools predict the variant to alter splicing and produce an abnormal transcript [SpliceAI: 1.00 (spliceogenicity >=0.2, non-spliceogenicity <0.1)]. Therefore, this variant is classified as Likely pathogenic according to the recommendation of ACMG/AMP guideline.